The following is an entry in ClinVar:

NM_182978.4(GNAL):c.505-5T>C

Gene: GNAL (G protein subunit alpha L; plus strand). Cytogenetic location: 18p11.21.
Variant type: single nucleotide variant.
Coding change: c.505-5T>C on transcript NM_182978.4 (MANE Select); 5 bases into the intron before coding-DNA position 505, T replaced by C.
Molecular consequence: intron variant.
Genome position (GRCh38, 1-based): chr18:11,753,821, T>C. VCF-style: chr18-11753821-T-C. GRCh37 (hg19) VCF-style: chr18-11753820-T-C.
Other names: c.274-5T>C (NM_001261443.2, NM_001142339.3, NM_001369387.1).
Identifiers: ClinVar variation 626332 (VCV000626332.6), dbSNP rs766177601, ClinGen allele CA8893915.

ClinVar aggregate classification (germline): Uncertain significance. Review status: criteria provided, single submitter (1 of 4 stars). 2 submissions from 2 submitters: Uncertain significance (1). 1 of the submissions does not count toward it. Last evaluated 2022-09-28.

Conditions:
Dystonic disorder. Also called: Dystonia. Identifiers: MedGen C0013421, MONDO:0003441, HP:0001332.
Dystonia 25 (DYT25). Also called: DYT-GNAL. Identifiers: Orphanet 329466, MedGen C4304670, MONDO:0014033, OMIM 615073.

Allele frequency attached by ClinVar (database versions not stated): gnomAD exomes 0.00001 and 0.00002; ExAC 0.00002.
gnomAD v4.1: 9 of 1,606,396 alleles (0.00056%); highest among the groups gnomAD compares: East Asian, 0.0045%; no homozygotes.

Submissions (2):

Labcorp Genetics (formerly Invitae), Labcorp
Classification: Uncertain significance for Dystonic disorder. Last evaluated: 2022-09-28. Review status: criteria provided, single submitter. Criteria: Invitae Variant Classification Sherloc (09022015). Collection method: clinical testing. Allele origin: germline.
Comment: In summary, the available evidence is currently insufficient to determine the role of this variant in disease. Therefore, it has been classified as a Variant of Uncertain Significance. Algorithms developed to predict the effect of sequence changes on RNA splicing suggest that this variant is not likely to affect RNA splicing. ClinVar contains an entry for this variant (Variation ID: 626332). This variant has been observed in individuals with dystonia (PMID: 23222958, 26506956; Invitae). This variant is present in population databases (rs766177601, gnomAD 0.006%). This sequence change falls in intron 4 of the GNAL gene. It does not directly change the encoded amino acid sequence of the GNAL protein.

GeneReviews
No classification provided. Condition: Dystonia 25. Review status: no classification provided. Collection method: literature only. Allele origin: germline. Not counted in ClinVar's aggregate classification.

Literature cited by the submitters: PubMed 23222958 (cited by Labcorp Genetics (formerly Invitae), Labcorp and GeneReviews); PubMed 26506956 (cited by Labcorp Genetics (formerly Invitae), Labcorp and GeneReviews); PubMed 30605297 (cited by GeneReviews).